The following is an entry in ClinVar:

ClinVar aggregate classification (germline): Conflicting classifications of pathogenicity. Review status: criteria provided, conflicting classifications (1 of 4 stars). 2 submissions from 2 submitters: Likely pathogenic (1); Uncertain significance (1). Last evaluated 2022-07-06.

Conditions:
Propionic acidemia (PROP). Also called: GLYCINEMIA, KETOTIC; HYPERGLYCINEMIA WITH KETOACIDOSIS AND LEUKOPENIA; KETOTIC HYPERGLYCINEMIA. Identifiers: Orphanet 35, MedGen C0268579, MONDO:0011628, OMIM 606054, HP:0003571.

Submissions (2):

Labcorp Genetics (formerly Invitae), Labcorp
Classification: Uncertain significance for Propionic acidemia. Last evaluated: 2022-07-06. Review status: criteria provided, single submitter. Criteria: Invitae Variant Classification Sherloc (09022015). Collection method: clinical testing. Allele origin: germline.
Comment: This variant, c.975_977del, results in the deletion of 1 amino acid(s) of the PCCB protein (p.Asp325del), but otherwise preserves the integrity of the reading frame. This variant is not present in population databases (gnomAD no frequency). This variant has not been reported in the literature in individuals affected with PCCB-related conditions. ClinVar contains an entry for this variant (Variation ID: 203887). Experimental studies and prediction algorithms are not available or were not evaluated, and the functional significance of this variant is currently unknown. In summary, the available evidence is currently insufficient to determine the role of this variant in disease. Therefore, it has been classified as a Variant of Uncertain Significance.

GeneDx
Classification: Likely pathogenic. Last evaluated: 2013-11-19. Review status: criteria provided, single submitter. Criteria: GeneDx Variant Classification (06012015). Collection method: clinical testing. Allele origin: germline. Affected: yes.
Comment: The c.975_977delTGA deletion causes the loss of a single Aspartic Acid at amino acid position 325, denoted p.Asp325del. The Aspartic Acid at this position is highly conserved; however, what effect the loss of a single amino acid at this position has on the function of the PCCB enzyme is not known. Therefore, c.975_977delTGA is a strong candidate for a disease-causing mutation, however the possibility that it is a benign variant cannot be excluded. It has not been published as a mutation, nor has it been reported as a benign polymorphism to our knowledge. The variant is found in PCCB panel(s).

NM_000532.5(PCCB):c.972TGA[1] (p.Asp325del)

Gene: PCCB (propionyl-CoA carboxylase subunit beta; plus strand). Cytogenetic location: 3q22.3.
Variant type: Microsatellite.
Coding change: c.972TGA[1] on transcript NM_000532.5 (MANE Select); one copy of the 3-base unit TGA starting at c.972; the reference has two copies in a row; one copy, 3 bases deleted.
Protein change: p.Asp325del; deletes aspartic acid 325.
Molecular consequence: inframe deletion.
Genome position (GRCh38, 1-based): chr3:136,316,949-136,316,951, TGA deleted; deleting any 3 consecutive bases within chr3:136,316,946-136,316,951 gives the same sequence; the position shown is the placement nearest the transcript's 3' end. VCF-style (leftmost placement, unchanged base first): chr3-136316945-TTGA-T. GRCh37 (hg19) VCF-style: chr3-136035787-TTGA-T.
Other names: c.1032TGA[1], p.Asp345del (NM_001178014.2); short protein forms D325del, D345del.
Identifiers: ClinVar variation 203887 (VCV000203887.4), dbSNP rs796052023, ClinGen allele CA312829.